The following is an entry in ClinVar:

NM_014112.5(TRPS1):c.822C>G (p.Asp274Glu)

Gene: TRPS1 (transcriptional repressor GATA binding 1; minus strand). Cytogenetic location: 8q23.3.
Variant type: single nucleotide variant.
Coding change: c.822C>G on transcript NM_014112.5 (MANE Select); coding-DNA position 822, C replaced by G.
Protein change: p.Asp274Glu; replaces aspartic acid 274 with glutamic acid.
Molecular consequence: missense variant.
Genome position (GRCh38, 1-based): chr8:115,619,276, G>C on the plus strand (C>G on the coding strand, the complement: TRPS1 is on the minus strand). VCF-style: chr8-115619276-G-C. GRCh37 (hg19) VCF-style: chr8-116631503-G-C.
Other names: c.795C>G, p.Asp265Glu (NM_001282902.3); c.801C>G, p.Asp267Glu (NM_001282903.3); c.783C>G, p.Asp261Glu (NM_001330599.2); short protein forms D265E, D274E, D267E, D261E.
Identifiers: ClinVar variation 1489019 (VCV001489019.6), dbSNP rs374893780, ClinGen allele CA4851938.
Genomic context (GRCh38, chr8:115,619,276, plus strand): 5'-CTTCTGGAAGTCTTTGGAATGGCTGAACTGCACCATGTTATGAAGGGCCAAGATTTTGCT[G>C]TCCAGCTCAGCATCTTGCCTGGTGCGGTTATGCAGTCCTAAGTGATACTTTCGGAAGTGC-3'
Protein context (NP_054831.2, residues 264-284): HNRTRQDAEL[Asp274Glu]SKILALHNMV

ClinVar aggregate classification (germline): Uncertain significance (1 of 4 stars; one submission).

Conditions:
Trichorhinophalangeal syndrome, type III (TRPS3). Also called: SUGIO-KAJII SYNDROME. Identifiers: Orphanet 77258, MedGen C1860823, OMIM 190351, MONDO:0008597.
Trichorhinophalangeal dysplasia type I (TRPS1). Also called: TRICHORHINOPHALANGEAL SYNDROME, TYPE I; TRPS I. Identifiers: Orphanet 77258, MedGen C0432233, MONDO:0008596, OMIM 190350.

Allele frequency attached by ClinVar (database versions not stated): gnomAD exomes below 0.00001; ExAC 0.00001; gnomAD 0.00001; TOPMed 0.00001; ESP Exome Variant Server 0.00008.
gnomAD v4.1: 7 of 1,613,844 alleles (0.00043%); highest among the groups gnomAD compares: Non-Finnish European, 0.00059%; no homozygotes.

Submission:

Labcorp Genetics (formerly Invitae), Labcorp
Classification: Uncertain significance for Trichorhinophalangeal syndrome, type III; Trichorhinophalangeal dysplasia type I. Last evaluated: 2023-05-22. Review status: criteria provided, single submitter. Criteria: Invitae Variant Classification Sherloc (09022015). Collection method: clinical testing. Allele origin: germline.
Comment: In summary, the available evidence is currently insufficient to determine the role of this variant in disease. Therefore, it has been classified as a Variant of Uncertain Significance. Advanced modeling of protein sequence and biophysical properties (such as structural, functional, and spatial information, amino acid conservation, physicochemical variation, residue mobility, and thermodynamic stability) performed at Invitae indicates that this missense variant is expected to disrupt TRPS1 protein function. ClinVar contains an entry for this variant (Variation ID: 1489019). This variant has not been reported in the literature in individuals affected with TRPS1-related conditions. This variant is present in population databases (rs374893780, gnomAD 0.0009%). This sequence change replaces aspartic acid, which is acidic and polar, with glutamic acid, which is acidic and polar, at codon 274 of the TRPS1 protein (p.Asp274Glu).